The following is an entry in ClinVar:

ClinVar aggregate classification (germline): Uncertain significance. Review status: criteria provided, multiple submitters, no conflicts (2 of 4 stars). 3 submissions from 3 submitters: Uncertain significance (3). Last evaluated 2025-03-04.

Conditions:
Colorectal cancer, hereditary nonpolyposis, type 7. Identifiers: Orphanet 144, MedGen C1858380, MONDO:0013725, OMIM 614385.

Allele frequency attached by ClinVar (database versions not stated): gnomAD exomes below 0.00001; TOPMed below 0.00001.
gnomAD v4.1: 2 of 1,614,118 alleles (0.00012%); highest among the groups gnomAD compares: East Asian, 0.0022%; no homozygotes.

Submissions (3):

Center for Genomic Medicine, Rigshospitalet, Copenhagen University Hospital
Classification: Uncertain significance. Last evaluated: 2025-03-04. Review status: criteria provided, single submitter. Criteria: ACMG Guidelines, 2015. Collection method: clinical testing. Allele origin: germline.

Ambry Genetics
Classification: Uncertain significance. Last evaluated: 2024-10-23. Review status: criteria provided, single submitter. Criteria: Ambry Variant Classification Scheme 2023. Collection method: clinical testing. Allele origin: germline.
Comment: The p.L1431F variant (also known as c.4291C>T), located in coding exon 12 of the MLH3 gene, results from a C to T substitution at nucleotide position 4291. The leucine at codon 1431 is replaced by phenylalanine, an amino acid with highly similar properties. This amino acid position is conserved. In addition, this alteration is predicted to be tolerated by in silico analysis. Based on the available evidence, the clinical significance of this variant remains unclear.

Labcorp Genetics (formerly Invitae), Labcorp
Classification: Uncertain significance for Colorectal cancer, hereditary nonpolyposis, type 7. Last evaluated: 2022-03-01. Review status: criteria provided, single submitter. Criteria: Invitae Variant Classification Sherloc (09022015). Collection method: clinical testing. Allele origin: germline.
Comment: In summary, the available evidence is currently insufficient to determine the role of this variant in disease. Therefore, it has been classified as a Variant of Uncertain Significance. Algorithms developed to predict the effect of missense changes on protein structure and function are either unavailable or do not agree on the potential impact of this missense change (SIFT: "Deleterious"; PolyPhen-2: "Benign"; Align-GVGD: "Class C0"). This variant has not been reported in the literature in individuals affected with MLH3-related conditions. This variant is not present in population databases (gnomAD no frequency). This sequence change replaces leucine, which is neutral and non-polar, with phenylalanine, which is neutral and non-polar, at codon 1431 of the MLH3 protein (p.Leu1431Phe).

NM_001040108.2(MLH3):c.4291C>T (p.Leu1431Phe)

Gene: MLH3 (mutL homolog 3; minus strand). Cytogenetic location: 14q24.3.
Variant type: single nucleotide variant.
Coding change: c.4291C>T on transcript NM_001040108.2 (MANE Select); coding-DNA position 4291, C replaced by T.
Protein change: p.Leu1431Phe; replaces leucine 1431 with phenylalanine.
Molecular consequence: missense variant.
Genome position (GRCh38, 1-based): chr14:75,017,153, G>A on the plus strand (C>T on the coding strand, the complement: MLH3 is on the minus strand). VCF-style: chr14-75017153-G-A. GRCh37 (hg19) VCF-style: chr14-75483856-G-A.
Other names: c.4219C>T, p.Leu1407Phe (NM_014381.3); short protein forms L1431F, L1407F.
Identifiers: ClinVar variation 2104951 (VCV002104951.6), dbSNP rs1595018968, ClinGen allele CA390417942.